The following is an entry in ClinVar:

NM_001256317.3(TMPRSS3):c.371C>T (p.Ser124Leu)

Gene: TMPRSS3 (transmembrane serine protease 3; minus strand). Cytogenetic location: 21q22.3.
Variant type: single nucleotide variant.
Coding change: c.371C>T on transcript NM_001256317.3 (MANE Select); coding-DNA position 371, C replaced by T.
Protein change: p.Ser124Leu; replaces serine 124 with leucine.
Molecular consequence: missense variant. On other transcripts: 5 prime UTR variant (1).
Genome position (GRCh38, 1-based): chr21:42,388,478, G>A on the plus strand (C>T on the coding strand, the complement: TMPRSS3 is on the minus strand). VCF-style: chr21-42388478-G-A. GRCh37 (hg19) VCF-style: chr21-43808587-G-A.
Other names: c.371C>T, p.Ser124Leu (NM_024022.4, NM_032405.2); c.-11C>T (NM_032404.3); short protein forms S124L.
Identifiers: ClinVar variation 3336964 (VCV003336964.2).

ClinVar aggregate classification (germline): Uncertain significance. Review status: criteria provided, multiple submitters, no conflicts (2 of 4 stars). 2 submissions from 2 submitters: Uncertain significance (2). Last evaluated 2024-11-01.

gnomAD v4.1: 15 of 1,614,210 alleles (0.00093%); highest among the groups gnomAD compares: Admixed American, 0.0017%; no homozygotes.

Submissions (2):

Women's Health and Genetics/Laboratory Corporation of America, LabCorp
Classification: Uncertain significance. Last evaluated: 2024-11-01. Review status: criteria provided, single submitter. Criteria: LabCorp Variant Classification Summary - May 2015. Collection method: clinical testing. Allele origin: germline.
Comment: Variant summary: TMPRSS3 c.371C>T (p.Ser124Leu) results in a non-conservative amino acid change located in the SRCR domain (IPR001190) of the encoded protein sequence. Four of five in-silico tools predict a benign effect of the variant on protein function. The variant allele was found at a frequency of 1.2e-05 in 251466 control chromosomes. c.371C>T has been reported in the literature in compound heterozygous individuals affected with Deafness, Autosomal Recessive 8 (Lechowicz_2017, Wu_2022, Yu_2023). These data indicate that the variant may be associated with disease. To our knowledge, no experimental evidence demonstrating an impact on protein function has been reported. The following publications have been ascertained in the context of this evaluation (PMID: 28566687, 35982127, 37023310). ClinVar contains an entry for this variant (Variation ID: 3336964). Based on the evidence outlined above, the variant was classified as VUS-possibly pathogenic.

Clinical Genetics Laboratory, Skane University Hospital Lund
Classification: Uncertain significance. Last evaluated: 2022-05-27. Review status: criteria provided, single submitter. Criteria: ACMG Guidelines, 2015. Collection method: clinical testing. Allele origin: germline. Affected: yes.

Literature cited by the submitters: PubMed 28566687 (cited by Women's Health and Genetics/Laboratory Corporation of America, LabCorp); PubMed 35982127 (cited by Women's Health and Genetics/Laboratory Corporation of America, LabCorp); PubMed 37023310 (cited by Women's Health and Genetics/Laboratory Corporation of America, LabCorp).